The following is an entry in ClinVar:

NM_004994.3(MMP9):c.28G>A (p.Val10Met)

Gene: MMP9 (matrix metallopeptidase 9; plus strand). Cytogenetic location: 20q13.12.
Variant type: single nucleotide variant.
Coding change: c.28G>A on transcript NM_004994.3 (MANE Select); coding-DNA position 28, G replaced by A.
Protein change: p.Val10Met; replaces valine 10 with methionine.
Molecular consequence: missense variant.
Genome position (GRCh38, 1-based): chr20:46,008,954, G>A. VCF-style: chr20-46008954-G-A. GRCh37 (hg19) VCF-style: chr20-44637593-G-A.
Other names: short protein forms V10M.
Identifiers: ClinVar variation 2728375 (VCV002728375.3), dbSNP rs377557970, ClinGen allele CA9886301.

ClinVar aggregate classification (germline): Uncertain significance (1 of 4 stars; one submission).

Allele frequency attached by ClinVar (database versions not stated): ExAC 0.00001; ESP Exome Variant Server 0.00008.
gnomAD v4.1: 3 of 1,613,968 alleles (0.00019%); highest among the groups gnomAD compares: Non-Finnish European, 0.00025%; no homozygotes.

Submission:

Labcorp Genetics (formerly Invitae), Labcorp
Classification: Uncertain significance. Last evaluated: 2022-11-16. Review status: criteria provided, single submitter. Criteria: Invitae Variant Classification Sherloc (09022015). Collection method: clinical testing. Allele origin: germline.
Comment: In summary, the available evidence is currently insufficient to determine the role of this variant in disease. Therefore, it has been classified as a Variant of Uncertain Significance. Algorithms developed to predict the effect of missense changes on protein structure and function output the following: SIFT: "Tolerated"; PolyPhen-2: "Benign"; Align-GVGD: "Class C0". The methionine amino acid residue is found in multiple mammalian species, which suggests that this missense change does not adversely affect protein function. This variant has not been reported in the literature in individuals affected with MMP9-related conditions. This variant is present in population databases (rs377557970, gnomAD 0.0009%). This sequence change replaces valine, which is neutral and non-polar, with methionine, which is neutral and non-polar, at codon 10 of the MMP9 protein (p.Val10Met).